The following is an entry in ClinVar:

NM_000179.3(MSH6):c.2334T>C (p.Leu778=)

Gene: MSH6 (mutS homolog 6; plus strand). Cytogenetic location: 2p16.3.
Variant type: single nucleotide variant.
Coding change: c.2334T>C on transcript NM_000179.3 (MANE Select); coding-DNA position 2334, T replaced by C.
Protein change: p.Leu778=; no amino-acid change (leucine 778 retained).
Molecular consequence: synonymous variant.
Genome position (GRCh38, 1-based): chr2:47,800,317, T>C. VCF-style: chr2-47800317-T-C. GRCh37 (hg19) VCF-style: chr2-48027456-T-C.
Other names: c.1944T>C, p.Leu648= (NM_001281492.2); c.1428T>C, p.Leu476= (NM_001281493.2, NM_001281494.2).
Identifiers: ClinVar variation 389933 (VCV000389933.14), dbSNP rs1057523588, ClinGen allele CA16604292.
Genomic context (GRCh38, chr2:47,800,317, plus strand): 5'-ACTAGAGAGGGTTGATACTTGCCATACTCCTTTTGGTAAGCGGCTCCTAAAGCAATGGCT[T>C]TGTGCCCCACTCTGTAACCATTATGCTATTAATGATCGTCTAGATGCCATAGAAGACCTC-3'
Protein context (NP_000170.1, residues 768-788): PFGKRLLKQW[Leu778=]CAPLCNHYAI

ClinVar aggregate classification (germline): Benign/Likely benign. Review status: criteria provided, multiple submitters, no conflicts (2 of 4 stars). 4 submissions from 4 submitters: Benign (1); Likely benign (3). Last evaluated 2024-12-31.

Conditions:
Lynch syndrome 5 (LYNCH5). Also called: Hereditary non-polyposis colorectal cancer, type 5; Colorectal cancer, hereditary nonpolyposis, type 5. Identifiers: Orphanet 144, MedGen C1833477, MONDO:0013710, OMIM 614350. Disease mechanism: loss of function.
Hereditary nonpolyposis colorectal neoplasms. Identifiers: MedGen C0009405, MeSH D003123.
Hereditary cancer-predisposing syndrome. Also called: Hereditary Cancer Syndrome; Hereditary neoplastic syndrome; Neoplastic Syndromes, Hereditary; Tumor predisposition. Identifiers: Orphanet 140162, MedGen C0027672, MeSH D009386, MONDO:0015356.

Allele frequency attached by ClinVar (database versions not stated): gnomAD 0.00001.

Submissions (4):

Myriad Genetics, Inc.
Classification: Benign for Lynch syndrome 5. Last evaluated: 2024-12-31. Review status: criteria provided, single submitter. Criteria: Myriad Autosomal Dominant, Autosomal Recessive and X-Linked Classification Criteria (2023). Collection method: clinical testing. Allele origin: unknown.
Comment: This variant is considered benign. This variant is a silent/synonymous amino acid change and it is not expected to impact splicing.

Labcorp Genetics (formerly Invitae), Labcorp
Classification: Likely benign for Hereditary nonpolyposis colorectal neoplasms. Last evaluated: 2024-07-10. Review status: criteria provided, single submitter. Criteria: Invitae Variant Classification Sherloc (09022015). Collection method: clinical testing. Allele origin: germline.

Ambry Genetics
Classification: Likely benign for Hereditary cancer-predisposing syndrome. Last evaluated: 2018-02-14. Review status: criteria provided, single submitter. Criteria: Ambry Variant Classification Scheme 2023. Collection method: clinical testing. Allele origin: germline.

GeneDx
Classification: Likely benign. Last evaluated: 2016-10-10. Review status: criteria provided, single submitter. Criteria: GeneDx Variant Classification (06012015). Collection method: clinical testing. Allele origin: germline. Affected: yes.
Comment: This variant is considered likely benign or benign based on one or more of the following criteria: it is a conservative change, it occurs at a poorly conserved position in the protein, it is predicted to be benign by multiple in silico algorithms, and/or has population frequency not consistent with disease.